The following is an entry in ClinVar:

NM_024741.3(ZNF408):c.1783C>T (p.Arg595Trp)

Gene: ZNF408 (zinc finger protein 408; plus strand). Cytogenetic location: 11p11.2.
Variant type: single nucleotide variant.
Coding change: c.1783C>T on transcript NM_024741.3 (MANE Select); coding-DNA position 1783, C replaced by T.
Protein change: p.Arg595Trp; replaces arginine 595 with tryptophan.
Molecular consequence: missense variant.
Genome position (GRCh38, 1-based): chr11:46,705,483, C>T. VCF-style: chr11-46705483-C-T. GRCh37 (hg19) VCF-style: chr11-46727033-C-T.
Other names: c.1783C>T (NM_024741.2); c.1759C>T, p.Arg587Trp (NM_001184751.2); short protein forms R587W, R595W.
Identifiers: ClinVar variation 1009846 (VCV001009846.13), dbSNP rs770529455, ClinGen allele CA5966643.
Genomic context (GRCh38, chr11:46,705,483, plus strand): 5'-GGAGAGAGGCCCTTTCCCTGTCCCCAGTGTGGCCGTGCTTACACGCTGGCCACCAAGCTG[C>T]GGCGCCACCTCAAATCTCACTTGGAGGACAAGCCCTACCGCTGCCCCACCTGTGGCATGG-3'
Protein context (NP_079017.1, residues 585-605): GRAYTLATKL[Arg595Trp]RHLKSHLEDK

ClinVar aggregate classification (germline): Uncertain significance. Review status: criteria provided, multiple submitters, no conflicts (2 of 4 stars). 4 submissions from 4 submitters: Uncertain significance (4). Last evaluated 2025-10-01.

Conditions:
Inborn genetic diseases. Identifiers: MedGen C0950123, MeSH D030342.
Retinitis pigmentosa 72 (RP72). Identifiers: Orphanet 791, MedGen C4225315, MONDO:0014653, OMIM 616469.
Exudative vitreoretinopathy 6 (EVR6). Identifiers: Orphanet 891, MedGen C4225316, MONDO:0014652, OMIM 616468.

Allele frequency attached by ClinVar (database versions not stated): ExAC 0.00002; gnomAD exomes 0.00002 and 0.00006; gnomAD 0.00005 and 0.00006; TOPMed 0.00005.

Submissions (4):

Labcorp Genetics (formerly Invitae), Labcorp
Classification: Uncertain significance. Last evaluated: 2025-10-01. Review status: criteria provided, single submitter. Criteria: Invitae Variant Classification Sherloc (09022015). Collection method: clinical testing. Allele origin: germline.
Comment: This sequence change replaces arginine, which is basic and polar, with tryptophan, which is neutral and slightly polar, at codon 595 of the ZNF408 protein (p.Arg595Trp). The frequency data for this variant in the population databases is considered unreliable, as metrics indicate poor data quality at this position in the gnomAD database. This missense change has been observed in individuals with clinical features of retinitis pigmentosa (internal data). ClinVar contains an entry for this variant (Variation ID: 1009846). An algorithm developed to predict the effect of missense changes on protein structure and function (PolyPhen-2) suggests that this variant is likely to be disruptive. In summary, the available evidence is currently insufficient to determine the role of this variant in disease. Therefore, it has been classified as a Variant of Uncertain Significance.

Ambry Genetics
Classification: Uncertain significance for Inborn genetic diseases. Last evaluated: 2025-08-30. Review status: criteria provided, single submitter. Criteria: Ambry Variant Classification Scheme 2023. Collection method: clinical testing. Allele origin: germline.

Blueprint Genetics
Classification: Uncertain significance. Last evaluated: 2022-12-13. Review status: criteria provided, single submitter. Criteria: ACMG Guidelines, 2015. Collection method: clinical testing. Allele origin: germline.

Department of Pathology and Laboratory Medicine, Sinai Health System
Classification: Uncertain significance for Exudative vitreoretinopathy 6; Retinitis pigmentosa 72. Last evaluated: 2020-08-05. Review status: criteria provided, single submitter. Criteria: ACMG Guidelines, 2015. Collection method: research. Allele origin: germline.